The following is an entry in ClinVar:

ClinVar aggregate classification (germline): Uncertain significance (1 of 4 stars; one submission).

Conditions:
Myofibrillar myopathy 4. Also called: Zaspopathy (type). Identifiers: Orphanet 98912, MedGen C4721886, MONDO:0012277, OMIM 609452.

Submission:

Labcorp Genetics (formerly Invitae), Labcorp
Classification: Uncertain significance for Myofibrillar myopathy 4. Last evaluated: 2025-04-10. Review status: criteria provided, single submitter. Criteria: Invitae Variant Classification Sherloc (09022015). Collection method: clinical testing. Allele origin: germline.
Comment: The LDB3 gene has multiple clinically relevant transcripts. This variant occurs in alternate transcript NM_007078.3, and corresponds to NM_001080116.1:c.*18742G>A in the primary transcript. This sequence change replaces cysteine, which is neutral and slightly polar, with tyrosine, which is neutral and polar, at codon 610 of the LDB3 protein (p.Cys610Tyr). This variant is not present in population databases (gnomAD no frequency). This variant has not been reported in the literature in individuals affected with LDB3-related conditions. Experimental studies and prediction algorithms are not available or were not evaluated, and the functional significance of this variant is currently unknown. In summary, the available evidence is currently insufficient to determine the role of this variant in disease. Therefore, it has been classified as a Variant of Uncertain Significance.

NM_007078.3(LDB3):c.1829G>A (p.Cys610Tyr)

Gene: LDB3 (LIM domain binding 3; plus strand). Cytogenetic location: 10q23.2.
Variant type: single nucleotide variant.
Coding change: c.1829G>A on transcript NM_007078.3 (MANE Select); coding-DNA position 1829, G replaced by A.
Protein change: p.Cys610Tyr; replaces cysteine 610 with tyrosine.
Molecular consequence: missense variant.
Genome position (GRCh38, 1-based): chr10:86,718,116, G>A. VCF-style: chr10-86718116-G-A. GRCh37 (hg19) VCF-style: chr10-88477873-G-A.
Other names: c.1499G>A, p.Cys500Tyr (NM_001080114.2); c.1844G>A, p.Cys615Tyr (NM_001171610.2); c.1640G>A, p.Cys547Tyr (NM_001368064.1, NM_001368065.1); c.1688G>A, p.Cys563Tyr (NM_001368066.1); short protein forms C500Y, C547Y, C563Y, C610Y, C615Y.
Identifiers: ClinVar variation 4806253 (VCV004806253.1).